The following is an entry in ClinVar:

NM_001029896.2(WDR45):c.516+1_516+3del

Gene: WDR45 (WD repeat domain 45; minus strand). Cytogenetic location: Xp11.23.
Variant type: Microsatellite.
Coding change: c.516+1_516+3del on transcript NM_001029896.2 (MANE Select); the canonical splice donor site of the intron after coding-DNA position 516 through 3 bases into the intron after coding-DNA position 516, 3 bases deleted (GTG; older notation c.516+1_516+3delGTG).
Molecular consequence: splice donor variant.
Genome position (GRCh38, 1-based): chrX:49,075,863-49,075,865, CAC deleted on the plus strand (GTG on the coding strand, the reverse complement: WDR45 is on the minus strand); deleting any 3 consecutive bases within chrX:49,075,863-49,075,868 gives the same sequence; the c. name uses the placement nearest the transcript's 3' end. VCF-style (leftmost placement, unchanged base first): chrX-49075862-TCAC-T. GRCh37 (hg19) VCF-style: chrX-48933521-TCAC-T.
Other names: c.519+1_519+3del (NM_007075.4).
Identifiers: ClinVar variation 488640 (VCV000488640.13), dbSNP rs1557084113, ClinGen allele CA658684305.

ClinVar aggregate classification (germline): Pathogenic/Likely pathogenic. Review status: criteria provided, multiple submitters, no conflicts (2 of 4 stars). 5 submissions from 5 submitters: Pathogenic (4); Likely pathogenic (1). Last evaluated 2024-10-16.

Conditions:
WDR45-related disorder. Also called: WDR45-related condition.
Neurodegeneration with brain iron accumulation 5 (NBIA5). Also called: STATIC ENCEPHALOPATHY OF CHILDHOOD WITH NEURODEGENERATION IN ADULTHOOD; Beta-propeller protein-associated neurodegeneration. Identifiers: Orphanet 329284, MedGen C3550973, MONDO:0010476, OMIM 300894.

Submissions (5):

Blueprint Genetics
Classification: Pathogenic for WDR45-related disorders. Last evaluated: 2024-10-16. Review status: criteria provided, single submitter. Criteria: ACMG Guidelines, 2015. Collection method: clinical testing. Allele origin: de novo. Affected: yes. Observed: 1 variant allele.

GeneDx
Classification: Pathogenic. Last evaluated: 2024-08-12. Review status: criteria provided, single submitter. Criteria: GeneDx Variant Classification Process June 2021. Collection method: clinical testing. Allele origin: germline. Affected: yes.
Comment: Canonical splice site variant predicted to result in a null allele in a gene for which loss of function is a known mechanism of disease; Not observed at significant frequency in large population cohorts (gnomAD); This variant is associated with the following publications: (PMID: 24790802, 33314449, 30169597, 33176815)

Labcorp Genetics (formerly Invitae), Labcorp
Classification: Pathogenic for Neurodegeneration with brain iron accumulation 5. Last evaluated: 2022-09-23. Review status: criteria provided, single submitter. Criteria: Invitae Variant Classification Sherloc (09022015). Collection method: clinical testing. Allele origin: germline.
Comment: This variant is not present in population databases (gnomAD no frequency). This sequence change affects a splice site in intron 8 of the WDR45 gene. RNA analysis indicates that disruption of this splice site induces altered splicing and may result in an absent or disrupted protein product. Disruption of this splice site has been observed in individuals with beta-propeller protein-associated neurodegeneration (PMID: 24790802, 30169597; Invitae). ClinVar contains an entry for this variant (Variation ID: 488640). Studies have shown that disruption of this splice site results in activation of a cryptic splice donor site in intron 8 and introduces a premature termination codon (PMID: 30169597). The resulting mRNA is expected to undergo nonsense-mediated decay. For these reasons, this variant has been classified as Pathogenic.

Institute of Human Genetics Munich, TUM University Hospital
Classification: Likely pathogenic for Neurodegeneration with brain iron accumulation 5. Last evaluated: 2017-10-13. Review status: criteria provided, single submitter. Criteria: Classification criteria August 2017. Collection method: clinical testing. Allele origin: de novo. Inheritance: X-linked inheritance. Affected: yes. Observed: 1 heterozygote.

Kasturba Medical College, Manipal, Kasturba Medical College, Manipal, Manipal Academy of Higher Education, Manipal, India
Classification: Pathogenic for Neurodegeneration with brain iron accumulation 5. Review status: criteria provided, single submitter. Criteria: ACMG Guidelines, 2015. Collection method: clinical testing. Allele origin: de novo. Inheritance: X-linked dominant inheritance. Affected: yes. Observed: 1 heterozygote.

Literature cited by the submitters: PubMed 24790802 (cited by Labcorp Genetics (formerly Invitae), Labcorp); PubMed 30169597 (cited by Labcorp Genetics (formerly Invitae), Labcorp).